The following is an entry in ClinVar:

ClinVar aggregate classification (germline): Uncertain significance (1 of 4 stars; one submission).

Conditions:
Hereditary cancer-predisposing syndrome. Also called: Hereditary neoplastic syndrome; Hereditary Cancer Syndrome; Neoplastic Syndromes, Hereditary; Tumor predisposition. Identifiers: Orphanet 140162, MedGen C0027672, MeSH D009386, MONDO:0015356.

Submission:

Ambry Genetics
Classification: Uncertain significance for Hereditary cancer-predisposing syndrome. Last evaluated: 2023-04-18. Review status: criteria provided, single submitter. Criteria: Ambry Variant Classification Scheme 2023. Collection method: clinical testing. Allele origin: germline.
Comment: The p.H2591N variant (also known as c.7771C>A), located in coding exon 15 of the APC gene, results from a C to A substitution at nucleotide position 7771. The histidine at codon 2591 is replaced by asparagine, an amino acid with similar properties. This amino acid position is conserved. In addition, in silico predictors for this gene do not accurately predict pathogenicity. Since supporting evidence is limited at this time, the clinical significance of this alteration remains unclear.

NM_000038.6(APC):c.7771C>A (p.His2591Asn)

Gene: APC (APC regulator of Wnt signaling pathway; plus strand). Cytogenetic location: 5q22.2.
Variant type: single nucleotide variant.
Coding change: c.7771C>A on transcript NM_000038.6 (MANE Select); coding-DNA position 7771, C replaced by A.
Protein change: p.His2591Asn; replaces histidine 2591 with asparagine.
Molecular consequence: missense variant. On other transcripts: non-coding transcript variant (2).
Genome position (GRCh38, 1-based): chr5:112,843,365, C>A. VCF-style: chr5-112843365-C-A. GRCh37 (hg19) VCF-style: chr5-112179062-C-A.
Other names: c.7771C>A, p.His2591Asn (NM_001127510.3, NM_001354895.2, NM_001407450.1); c.7717C>A, p.His2573Asn (NM_001127511.3); c.7825C>A, p.His2609Asn (NM_001354896.2, NM_001407447.1, NM_001407448.1 and 1 more transcripts); c.7801C>A, p.His2601Asn (NM_001354897.2); c.7696C>A, p.His2566Asn (NM_001354898.2); c.7687C>A, p.His2563Asn (NM_001354899.2); c.7648C>A, p.His2550Asn (NM_001354900.2); c.7594C>A, p.His2532Asn (NM_001354901.2, NM_001407453.1); and 11 more; short protein forms H2308N, H2465N, H2566N, H2573N, H2500N, H2550N, H2563N, H2591N.
Identifiers: ClinVar variation 2566989 (VCV002566989.2), dbSNP rs1114167572, ClinGen allele CA16038212.